The following is an entry in ClinVar:

ClinVar aggregate classification (germline): Uncertain significance (1 of 4 stars; one submission).

gnomAD v4.1: 3 of 1,597,208 alleles (0.00019%); highest among the groups gnomAD compares: Non-Finnish European, 0.00026%; no homozygotes.

Submission:

GeneDx
Classification: Uncertain significance. Last evaluated: 2026-03-07. Review status: criteria provided, single submitter. Criteria: GeneDx Variant Classification Process June 2021. Collection method: clinical testing. Allele origin: germline.
Comment: Not observed at significant frequency in large population cohorts (gnomAD); In silico analysis suggests that this missense variant does not alter protein structure/function; Has not been previously published as pathogenic or benign to our knowledge

NM_002911.4(UPF1):c.1804G>A (p.Ala602Thr)

Gene: UPF1 (UPF1 RNA helicase and ATPase; plus strand). Cytogenetic location: 19p13.11.
Variant type: single nucleotide variant.
Coding change: c.1804G>A on transcript NM_002911.4 (MANE Select); coding-DNA position 1804, G replaced by A.
Protein change: p.Ala602Thr; replaces alanine 602 with threonine.
Molecular consequence: missense variant.
Genome position (GRCh38, 1-based): chr19:18,856,280, G>A. VCF-style: chr19-18856280-G-A. GRCh37 (hg19) VCF-style: chr19-18967089-G-A.
Other names: c.1837G>A, p.Ala613Thr (NM_001297549.2); short protein forms A602T, A613T.
Identifiers: ClinVar variation 5008781 (VCV005008781.1).